The following is an entry in ClinVar:

ClinVar aggregate classification (germline): Likely benign (1 of 4 stars; one submission).

Allele frequency attached by ClinVar (database versions not stated): 1000 Genomes Project 30x 0.00016; 1000 Genomes Project 0.00020.
gnomAD v4.1: 190 of 1,614,074 alleles (0.012%); highest among the groups gnomAD compares: South Asian, 0.025%; no homozygotes.

Submission:

CeGaT Center for Human Genetics Tuebingen
Classification: Likely benign. Last evaluated: 2022-08-01. Review status: criteria provided, single submitter. Criteria: CeGaT Center For Human Genetics Tuebingen Variant Classification Criteria Version 2. Collection method: clinical testing. Allele origin: germline. Affected: yes. Observed: 1 variant allele.
Comment: NFASC: BP4, BP7

NM_001005388.3(NFASC):c.3639G>A (p.Thr1213=)

Gene: NFASC (neurofascin; plus strand). Cytogenetic location: 1q32.1.
Variant type: single nucleotide variant.
Coding change: c.3639G>A on transcript NM_001005388.3 (MANE Select); coding-DNA position 3639, G replaced by A.
Protein change: p.Thr1213=; no amino-acid change (threonine 1213 retained).
Molecular consequence: synonymous variant.
Genome position (GRCh38, 1-based): chr1:205,016,455, G>A. VCF-style: chr1-205016455-G-A. GRCh37 (hg19) VCF-style: chr1-204985583-G-A.
Other names: c.3486G>A, p.Thr1162= (NM_001160331.2); c.3441G>A, p.Thr1147= (NM_001160332.2); c.3105G>A, p.Thr1035= (NM_001365986.1); c.3960G>A, p.Thr1320= (NM_001378329.1); c.3426G>A, p.Thr1142= (NM_015090.4).
Identifiers: ClinVar variation 2639846 (VCV002639846.24), dbSNP rs200275591, ClinGen allele CA1350865.
Genomic context (GRCh38, chr1:205,016,455, plus strand): 5'-CTATGGCGAGGGTGGCGAGGGTCAGTTCAATGAAGACGGCTCCTTCATCGGCCAGTACAC[G>A]GTCAAAAAGGACAAGGAGGAAACAGAGGGCAACGAAAGCTCAGAGGCCACGTCACCTGTC-3'
Protein context (NP_001005388.2, residues 1203-1223): NEDGSFIGQY[Thr1213=]VKKDKEETEG